The following is an entry in ClinVar:

ClinVar aggregate classification (germline): Uncertain significance (1 of 4 stars; one submission).

gnomAD v4.1: 7 of 1,612,502 alleles (0.00043%); highest among the groups gnomAD compares: Admixed American, 0.0067%; no homozygotes.

Submission:

Labcorp Genetics (formerly Invitae), Labcorp
Classification: Uncertain significance. Last evaluated: 2025-09-30. Review status: criteria provided, single submitter. Criteria: Invitae Variant Classification Sherloc (09022015). Collection method: clinical testing. Allele origin: germline.
Comment: This sequence change replaces tyrosine, which is neutral and polar, with cysteine, which is neutral and slightly polar, at codon 221 of the LIPI protein (p.Tyr221Cys). This variant is not present in population databases (gnomAD no frequency). This variant has not been reported in the literature in individuals affected with LIPI-related conditions. An algorithm developed to predict the effect of missense changes on protein structure and function (PolyPhen-2) suggests that this variant is likely to be disruptive. In summary, the available evidence is currently insufficient to determine the role of this variant in disease. Therefore, it has been classified as a Variant of Uncertain Significance.

NM_001302998.2(LIPI):c.599A>G (p.Tyr200Cys)

Gene: LIPI (lipase I; minus strand). Cytogenetic location: 21q11.2.
Variant type: single nucleotide variant.
Coding change: c.599A>G on transcript NM_001302998.2 (MANE Select); coding-DNA position 599, A replaced by G.
Protein change: p.Tyr200Cys; replaces tyrosine 200 with cysteine.
Molecular consequence: missense variant.
Genome position (GRCh38, 1-based): chr21:14,181,802, T>C on the plus strand (A>G on the coding strand, the complement: LIPI is on the minus strand). VCF-style: chr21-14181802-T-C. GRCh37 (hg19) VCF-style: chr21-15554123-T-C.
Other names: c.599A>G, p.Tyr200Cys (NM_001302999.2, NM_001303000.2, NM_001303001.2 and 1 more transcripts); c.104A>G, p.Tyr35Cys (NM_001379566.1); c.464A>G, p.Tyr155Cys (NM_198996.4); short protein forms Y155C, Y200C, Y35C.
Identifiers: ClinVar variation 4697458 (VCV004697458.1).